The following is an entry in ClinVar:

ClinVar aggregate classification (germline): Likely benign (1 of 4 stars; one submission).

Allele frequency attached by ClinVar (database versions not stated): ExAC 0.00003; gnomAD 0.00003 and 0.00006; TOPMed 0.00006.

Submission:

GeneDx
Classification: Likely benign. Last evaluated: 2015-10-08. Review status: criteria provided, single submitter. Criteria: GeneDx Variant Classification (06012015). Collection method: clinical testing. Allele origin: germline. Affected: yes.
Comment: This variant is considered likely benign or benign based on one or more of the following criteria: it is a conservative change, it occurs at a poorly conserved position in the protein, it is predicted to be benign by multiple in silico algorithms, and/or has population frequency not consistent with disease.

NM_001005373.4(LRSAM1):c.-19G>A

Gene: LRSAM1 (leucine rich repeat and sterile alpha motif containing 1; plus strand). Cytogenetic location: 9q33.3.
Variant type: single nucleotide variant.
Coding change: c.-19G>A on transcript NM_001005373.4 (MANE Select); 19 bases upstream of the start codon, G replaced by A.
Molecular consequence: 5 prime UTR variant. On other transcripts: non-coding transcript variant (2).
Genome position (GRCh38, 1-based): chr9:127,454,509, G>A. VCF-style: chr9-127454509-G-A. GRCh37 (hg19) VCF-style: chr9-130216788-G-A.
Other names: c.-19G>A (NM_001005374.4, NM_001190723.3, NM_001384142.1 and 2 more transcripts); c.-803G>A (NM_001384144.1).
Identifiers: ClinVar variation 380991 (VCV000380991.1), dbSNP rs776922280, ClinGen allele CA5246333.